The following is an entry in ClinVar:

ClinVar aggregate classification (germline): Likely pathogenic (1 of 4 stars; one submission).

Submission:

Labcorp Genetics (formerly Invitae), Labcorp
Classification: Likely pathogenic. Last evaluated: 2023-10-16. Review status: criteria provided, single submitter. Criteria: Invitae Variant Classification Sherloc (09022015). Collection method: clinical testing. Allele origin: germline.
Comment: This sequence change replaces asparagine, which is neutral and polar, with isoleucine, which is neutral and non-polar, at codon 209 of the LSS protein (p.Asn209Ile). This variant is not present in population databases (gnomAD no frequency). This missense change has been observed in individual(s) with clinical features of LSS-related disorders (Invitae). In at least one individual the data is consistent with being in trans (on the opposite chromosome) from a pathogenic variant. It has also been observed to segregate with disease in related individuals. An algorithm developed to predict the effect of missense changes on protein structure and function (PolyPhen-2) suggests that this variant is likely to be disruptive. This variant disrupts the p.Asn209 amino acid residue in LSS. Other variant(s) that disrupt this residue have been determined to be pathogenic (PMID: 30401459). This suggests that this residue is clinically significant, and that variants that disrupt this residue are likely to be disease-causing. In summary, the currently available evidence indicates that the variant is pathogenic, but additional data are needed to prove that conclusively. Therefore, this variant has been classified as Likely Pathogenic.

Literature cited by the submitters: PubMed 30401459.

NM_002340.6(LSS):c.626A>T (p.Asn209Ile)

Gene: LSS (lanosterol synthase; minus strand). Cytogenetic location: 21q22.3.
Variant type: single nucleotide variant.
Coding change: c.626A>T on transcript NM_002340.6 (MANE Select); coding-DNA position 626, A replaced by T.
Protein change: p.Asn209Ile; replaces asparagine 209 with isoleucine.
Molecular consequence: missense variant.
Genome position (GRCh38, 1-based): chr21:46,219,497, T>A on the plus strand (A>T on the coding strand, the complement: LSS is on the minus strand). VCF-style: chr21-46219497-T-A. GRCh37 (hg19) VCF-style: chr21-47639411-T-A.
Other names: c.626A>T, p.Asn209Ile (NM_001001438.3); c.593A>T, p.Asn198Ile (NM_001145436.2); c.386A>T, p.Asn129Ile (NM_001145437.2); short protein forms N209I, N129I, N198I.
Identifiers: ClinVar variation 2861308 (VCV002861308.3), dbSNP rs766810560, ClinGen allele CA410522905.